The following is an entry in ClinVar:

ClinVar aggregate classification (germline): Uncertain significance. Review status: criteria provided, multiple submitters, no conflicts (2 of 4 stars). 2 submissions from 2 submitters: Uncertain significance (2). Last evaluated 2025-02-06.

Conditions:
Cardiovascular phenotype. Identifiers: MedGen CN230736.

Allele frequency attached by ClinVar (database versions not stated): 1000 Genomes Project 30x 0.00062; 1000 Genomes Project 0.00040.

Submissions (2):

GeneDx
Classification: Uncertain significance. Last evaluated: 2025-02-06. Review status: criteria provided, single submitter. Criteria: GeneDx Variant Classification Process June 2021. Collection method: clinical testing. Allele origin: germline. Affected: yes.
Comment: Not observed at significant frequency in large population cohorts (gnomAD); In silico analysis supports that this missense variant has a deleterious effect on protein structure/function; Has not been previously published as pathogenic or benign to our knowledge

Ambry Genetics
Classification: Uncertain significance for Cardiovascular phenotype. Last evaluated: 2022-02-21. Review status: criteria provided, single submitter. Criteria: Ambry Variant Classification Scheme 2023. Collection method: clinical testing. Allele origin: germline.
Comment: The p.R156C variant (also known as c.466C>T), located in coding exon 4 of the EFEMP2 gene, results from a C to T substitution at nucleotide position 466. The arginine at codon 156 is replaced by cysteine, an amino acid with highly dissimilar properties. This amino acid position is conserved. In addition, this alteration is predicted to be deleterious by in silico analysis. Since supporting evidence is limited at this time, the clinical significance of this alteration remains unclear.

NM_016938.5(EFEMP2):c.466C>T (p.Arg156Cys)

Gene: EFEMP2 (EGF containing fibulin extracellular matrix protein 2; minus strand). Cytogenetic location: 11q13.1.
Variant type: single nucleotide variant.
Coding change: c.466C>T on transcript NM_016938.5 (MANE Select); coding-DNA position 466, C replaced by T.
Protein change: p.Arg156Cys; replaces arginine 156 with cysteine.
Molecular consequence: missense variant. On other transcripts: non-coding transcript variant (1).
Genome position (GRCh38, 1-based): chr11:65,870,560, G>A on the plus strand (C>T on the coding strand, the complement: EFEMP2 is on the minus strand). VCF-style: chr11-65870560-G-A. GRCh37 (hg19) VCF-style: chr11-65638031-G-A.
Other names: short protein forms R156C.
Identifiers: ClinVar variation 1742302 (VCV001742302.3), dbSNP rs573771187, ClinGen allele CA6110663.
Genomic context (GRCh38, chr11:65,870,560, plus strand): 5'-AAAGCCGGGACTACAGAAGCTGCTTCCTGGACTCACCCACACACTCGGGCCCGATCTTGC[G>A]GTAACCATCAGGGCAGGTGCACTGATAGGAGCCAGGCAAGTTATGGCAGTCCTGGCTGGG-3'
Protein context (NP_058634.4, residues 146-166): SYQCTCPDGY[Arg156Cys]KIGPECVDID